The following is an entry in ClinVar:

ClinVar aggregate classification (germline): Likely benign. Review status: criteria provided, multiple submitters, no conflicts (2 of 4 stars). 3 submissions from 3 submitters: Likely benign (3). Last evaluated 2024-02-25.

Submissions (3):

Labcorp Genetics (formerly Invitae), Labcorp
Classification: Likely benign. Last evaluated: 2024-02-25. Review status: criteria provided, single submitter. Criteria: Invitae Variant Classification Sherloc (09022015). Collection method: clinical testing. Allele origin: germline.

CeGaT Center for Human Genetics Tuebingen
Classification: Likely benign. Last evaluated: 2022-08-01. Review status: criteria provided, single submitter. Criteria: CeGaT Center For Human Genetics Tuebingen Variant Classification Criteria Version 2. Collection method: clinical testing. Allele origin: germline. Affected: yes. Observed: 1 variant allele.
Comment: DGAT1: BP4, BP7

Breakthrough Genomics
Classification: Likely benign. Review status: criteria provided, single submitter. Criteria: ACMG Guidelines, 2015. Collection method: not provided. Allele origin: germline. Inheritance: Autosomal recessive inheritance. Affected: yes.

NM_012079.6(DGAT1):c.150C>G (p.Ala50=)

Genes: DGAT1 (diacylglycerol O-acyltransferase 1; minus strand), LOC130001385 (ATAC-STARR-seq lymphoblastoid silent region 19672; plus strand). Cytogenetic location: 8q24.3.
Variant type: single nucleotide variant.
Coding change: c.150C>G on transcript NM_012079.6 (MANE Select); coding-DNA position 150, C replaced by G.
Protein change: p.Ala50=; no amino-acid change (alanine 50 retained).
Molecular consequence: synonymous variant.
Genome position (GRCh38, 1-based): chr8:144,326,487, G>C on the plus strand (C>G on the coding strand, the complement: DGAT1 is on the minus strand). VCF-style: chr8-144326487-G-C. GRCh37 (hg19) VCF-style: chr8-145550150-G-C.
Identifiers: ClinVar variation 1966267 (VCV001966267.30), dbSNP rs2130550900, ClinGen allele CA463447412.